The following is an entry in ClinVar:

ClinVar aggregate classification (germline): Likely benign. Review status: criteria provided, multiple submitters, no conflicts (2 of 4 stars). 4 submissions from 4 submitters: Likely benign (4). Last evaluated 2025-12-21.

Conditions:
Cardiovascular phenotype. Identifiers: MedGen CN230736.
Catecholaminergic polymorphic ventricular tachycardia (CVPT). Also called: Catecholamine-induced polymorphic ventricular tachycardia. Identifiers: Orphanet 3286, MedGen C5574922, MONDO:0017990.
Catecholaminergic polymorphic ventricular tachycardia 1. Also called: VENTRICULAR TACHYCARDIA, STRESS-INDUCED POLYMORPHIC 1; VENTRICULAR TACHYCARDIA, CATECHOLAMINERGIC POLYMORPHIC, 1, WITH OR WITHOUT ATRIAL DYSFUNCTION AND/OR DILATED CARDIOMYOPATHY; RYR2-Related Catecholaminergic Polymorphic Ventricular Tachycardia. Identifiers: Orphanet 3286, MedGen C1631597, MONDO:0011484, OMIM 604772.
Cardiomyopathy (CMYO). Also called: Cardiomyopathies. Identifiers: Orphanet 167848, MedGen C0878544, MONDO:0004994, HP:0001638. Inheritance: Various modes of inheritance.

Allele frequency attached by ClinVar (database versions not stated): gnomAD 0.00001; gnomAD exomes 0.00001 and 0.00004; TOPMed 0.00001; ExAC 0.00006.
gnomAD v4.1: 18 of 1,613,618 alleles (0.0011%); highest among the groups gnomAD compares: East Asian, 0.038%; no homozygotes.

Submissions (4):

Ambry Genetics
Classification: Likely benign for Cardiovascular phenotype. Last evaluated: 2025-12-21. Review status: criteria provided, single submitter. Criteria: Ambry Variant Classification Scheme 2023. Collection method: clinical testing. Allele origin: germline.

Labcorp Genetics (formerly Invitae), Labcorp
Classification: Likely benign for Catecholaminergic polymorphic ventricular tachycardia 1. Last evaluated: 2025-11-09. Review status: criteria provided, single submitter. Criteria: Invitae Variant Classification Sherloc (09022015). Collection method: clinical testing. Allele origin: germline.

All of Us Research Program, National Institutes of Health
Classification: Likely benign for Catecholaminergic polymorphic ventricular tachycardia. Last evaluated: 2023-08-15. Review status: criteria provided, single submitter. Criteria: ACMG Guidelines, 2015. Collection method: clinical testing. Allele origin: germline. Inheritance: Autosomal dominant inheritance. Observed: 1 variant allele, 1 heterozygote.
Comment: This study involves interpretation of variants in research participants for the purpose of population health screening. Participant phenotype was not available at the time of variant classification. Additional details can be found in publication PMID: 35346344, PMCID: PMC8962531

Color Diagnostics, LLC DBA Color Health
Classification: Likely benign for Cardiomyopathy. Last evaluated: 2018-05-07. Review status: criteria provided, single submitter. Criteria: ACMG Guidelines, 2015. Collection method: clinical testing. Allele origin: germline.

NM_001035.3(RYR2):c.7290A>G (p.Gly2430=)

Gene: RYR2 (ryanodine receptor 2; plus strand). Cytogenetic location: 1q43.
Variant type: single nucleotide variant.
Coding change: c.7290A>G on transcript NM_001035.3 (MANE Select); coding-DNA position 7290, A replaced by G.
Protein change: p.Gly2430=; no amino-acid change (glycine 2430 retained).
Molecular consequence: synonymous variant.
Genome position (GRCh38, 1-based): chr1:237,643,395, A>G. VCF-style: chr1-237643395-A-G. GRCh37 (hg19) VCF-style: chr1-237806695-A-G.
Other names: c.7290A>G, p.Gly2430= (LRG_402t1).
Identifiers: ClinVar variation 628286 (VCV000628286.16), dbSNP rs765196007, ClinGen allele CA087351.